The following is an entry in ClinVar:

ClinVar aggregate classification (germline): Benign. Review status: criteria provided, multiple submitters, no conflicts (2 of 4 stars). 6 submissions from 6 submitters: Benign (6). Last evaluated 2026-01-27.

Conditions:
Holoprosencephaly 11 (HPE11). Identifiers: Orphanet 2162, MedGen C3280215, MONDO:0013642, OMIM 614226.

Allele frequency attached by ClinVar (database versions not stated): ESP Exome Variant Server 0.09877; TOPMed 0.10250; gnomAD 0.10334 and 0.10435; ExAC 0.10573; gnomAD exomes 0.10865; 1000 Genomes Project 30x 0.11165; 1000 Genomes Project 0.11202.
gnomAD v4.1: 150,190 of 1,613,658 alleles (9.3%); highest among the groups gnomAD compares: Admixed American, 14%; 7,351 homozygotes.

Submissions (6):

Labcorp Genetics (formerly Invitae), Labcorp
Classification: Benign for Holoprosencephaly 11. Last evaluated: 2026-01-27. Review status: criteria provided, single submitter. Criteria: Invitae Variant Classification Sherloc (09022015). Collection method: clinical testing. Allele origin: germline.

Blueprint Genetics
Classification: Benign. Last evaluated: 2024-11-27. Review status: criteria provided, single submitter. Criteria: ACMG Guidelines, 2015. Collection method: clinical testing. Allele origin: germline.

GeneDx
Classification: Benign. Last evaluated: 2018-11-10. Review status: criteria provided, single submitter. Criteria: GeneDx Variant Classification Process June 2021. Collection method: clinical testing. Allele origin: germline. Affected: yes.

Illumina Laboratory Services, Illumina
Classification: Benign for Holoprosencephaly 11. Last evaluated: 2018-01-13. Review status: criteria provided, single submitter. Criteria: ICSL Variant Classification Criteria 13 December 2019. Collection method: clinical testing. Allele origin: germline.
Comment: This variant was observed in the ICSL laboratory as part of a predisposition screen in an ostensibly healthy population. It had not been previously curated by ICSL or reported in the Human Gene Mutation Database (HGMD: prior to June 1st, 2018), and was therefore a candidate for classification through an automated scoring system. Utilizing variant allele frequency, disease prevalence and penetrance estimates, and inheritance mode, an automated score was calculated to assess if this variant is too frequent to cause the disease. Based on the score and internal cut-off values, a variant classified as benign is not then subjected to further curation. The score for this variant resulted in a classification of benign for this disease.

Breakthrough Genomics
Classification: Benign. Review status: criteria provided, single submitter. Criteria: ACMG Guidelines, 2015. Collection method: not provided. Allele origin: germline. Inheritance: Autosomal dominant inheritance. Affected: yes.

PreventionGenetics, part of Exact Sciences
Classification: Benign. Review status: criteria provided, single submitter. Criteria: ACMG Guidelines, 2015. Collection method: clinical testing. Allele origin: germline.

NM_001378964.1(CDON):c.484G>A (p.Glu162Lys)

Gene: CDON (cell adhesion associated, oncogene regulated; minus strand). Cytogenetic location: 11q24.2.
Variant type: single nucleotide variant.
Coding change: c.484G>A on transcript NM_001378964.1 (MANE Select); coding-DNA position 484, G replaced by A.
Protein change: p.Glu162Lys; replaces glutamic acid 162 with lysine.
Molecular consequence: missense variant.
Genome position (GRCh38, 1-based): chr11:126,019,631, C>T on the plus strand (G>A on the coding strand, the complement: CDON is on the minus strand). VCF-style: chr11-126019631-C-T. GRCh37 (hg19) VCF-style: chr11-125889526-C-T.
Other names: c.484G>A, p.Glu162Lys (NM_001243597.3, NM_016952.6); short protein forms E162K.
Identifiers: ClinVar variation 260800 (VCV000260800.18), dbSNP rs3740909, ClinGen allele CA6352328.